The following is an entry in ClinVar:

NM_001256789.3(CACNA1F):c.3127C>T (p.Arg1043Trp)

Gene: CACNA1F (calcium voltage-gated channel subunit alpha1 F; minus strand). Cytogenetic location: Xp11.23.
Variant type: single nucleotide variant.
Coding change: c.3127C>T on transcript NM_001256789.3 (MANE Select); coding-DNA position 3127, C replaced by T.
Protein change: p.Arg1043Trp; replaces arginine 1043 with tryptophan.
Molecular consequence: missense variant.
Genome position (GRCh38, 1-based): chrX:49,216,491, G>A on the plus strand (C>T on the coding strand, the complement: CACNA1F is on the minus strand). VCF-style: chrX-49216491-G-A. GRCh37 (hg19) VCF-style: chrX-49072951-G-A.
Other names: c.2965C>T, p.Arg989Trp (NM_001256790.3); c.3160C>T, p.Arg1054Trp (NM_005183.4); short protein forms R1043W, R989W, R1054W.
Identifiers: ClinVar variation 3001773 (VCV003001773.3), dbSNP rs1557107449, ClinGen allele CA412964086.

ClinVar aggregate classification (germline): Uncertain significance (1 of 4 stars; one submission).

Allele frequency attached by ClinVar (database versions not stated): gnomAD exomes 0.00001.

Submission:

Labcorp Genetics (formerly Invitae), Labcorp
Classification: Uncertain significance. Last evaluated: 2025-03-22. Review status: criteria provided, single submitter. Criteria: Invitae Variant Classification Sherloc (09022015). Collection method: clinical testing. Allele origin: germline.
Comment: This sequence change replaces arginine, which is basic and polar, with tryptophan, which is neutral and slightly polar, at codon 1054 of the CACNA1F protein (p.Arg1054Trp). This variant is not present in population databases (gnomAD no frequency). This variant has not been reported in the literature in individuals affected with CACNA1F-related conditions. ClinVar contains an entry for this variant (Variation ID: 3001773). An algorithm developed to predict the effect of missense changes on protein structure and function (PolyPhen-2) suggests that this variant is likely to be disruptive. In summary, the available evidence is currently insufficient to determine the role of this variant in disease. Therefore, it has been classified as a Variant of Uncertain Significance.